The following is an entry in ClinVar:

NM_001429.4(EP300):c.2207A>G (p.His736Arg)

Gene: EP300 (EP300 lysine acetyltransferase; plus strand). Cytogenetic location: 22q13.2.
Variant type: single nucleotide variant.
Coding change: c.2207A>G on transcript NM_001429.4 (MANE Select); coding-DNA position 2207, A replaced by G.
Protein change: p.His736Arg; replaces histidine 736 with arginine.
Molecular consequence: missense variant.
Genome position (GRCh38, 1-based): chr22:41,147,912, A>G. VCF-style: chr22-41147912-A-G. GRCh37 (hg19) VCF-style: chr22-41543916-A-G.
Other names: c.2129A>G, p.His710Arg (NM_001362843.2); short protein forms H736R, H710R.
Identifiers: ClinVar variation 5000842 (VCV005000842.1).
Genomic context (GRCh38, chr22:41,147,912, plus strand): 5'-GCCAGATGAGCATGGCCCAGCCCCCTATTGTACCCCGGCAAACCCCTCCTCTTCAGCACC[A>G]TGGACAGTTGGCTCAACCTGGAGCTCTCAACCCGGTTAGTTTGACGTCTTTGGTAATCTC-3'
Protein context (NP_001420.2, residues 726-746): VPRQTPPLQH[His736Arg]GQLAQPGALN

ClinVar aggregate classification (germline): Uncertain significance (1 of 4 stars; one submission).

Conditions:
EP300-related disorder. Also called: EP300-related condition; EP300-related disorders.

gnomAD v4.1: 2 of 1,613,440 alleles (0.00012%); highest among the groups gnomAD compares: South Asian, 0.0011%; no homozygotes.

Submission:

PreventionGenetics, part of Exact Sciences
Classification: Uncertain significance for EP300-related condition. Last evaluated: 2025-07-19. Review status: criteria provided, single submitter. Criteria: ACMG Guidelines, 2015. Collection method: clinical testing. Allele origin: germline.
Comment: The EP300 c.2207A>G variant is predicted to result in the amino acid substitution p.His736Arg. To our knowledge, this variant has not been reported in the literature or in a large population database (gnomAD), indicating this variant is rare. At this time, the clinical significance of this variant is uncertain due to the absence of conclusive functional and genetic evidence.